The following is an entry in ClinVar:

ClinVar aggregate classification (germline): Uncertain significance. Review status: criteria provided, multiple submitters, no conflicts (2 of 4 stars). 4 submissions from 4 submitters: Uncertain significance (4). Last evaluated 2026-07-09.

Conditions:
MYO15A-related disorder. Also called: MYO15A-related condition.
Inborn genetic diseases. Identifiers: MedGen C0950123, MeSH D030342.

Allele frequency attached by ClinVar (database versions not stated): gnomAD 0.00001 and 0.00003; ExAC 0.00003; gnomAD exomes 0.00003; TOPMed 0.00004; ESP Exome Variant Server 0.00008; 1000 Genomes Project 30x 0.00016; 1000 Genomes Project 0.00020.
gnomAD v4.1: 36 of 1,613,740 alleles (0.0022%); highest among the groups gnomAD compares: Middle Eastern, 0.016%; no homozygotes.

Submissions (4):

PreventionGenetics, part of Exact Sciences
Classification: Uncertain significance for MYO15A-related condition. Last evaluated: 2026-07-09. Review status: criteria provided, single submitter. Criteria: ACMG Guidelines, 2015. Collection method: clinical testing. Allele origin: germline.
Comment: The MYO15A c.6356C>T variant is predicted to result in the amino acid substitution p.Ala2119Val. To our knowledge, this variant has not been reported in the literature. This variant is reported in 0.020% of alleles in individuals of East Asian descent in gnomAD. At this time, the clinical significance of this variant is uncertain due to the absence of conclusive functional and genetic evidence.

Labcorp Genetics (formerly Invitae), Labcorp
Classification: Uncertain significance. Last evaluated: 2024-08-29. Review status: criteria provided, single submitter. Criteria: Invitae Variant Classification Sherloc (09022015). Collection method: clinical testing. Allele origin: germline.
Comment: This sequence change replaces alanine, which is neutral and non-polar, with valine, which is neutral and non-polar, at codon 2119 of the MYO15A protein (p.Ala2119Val). This variant is present in population databases (rs370756193, gnomAD 0.02%). This variant has not been reported in the literature in individuals affected with MYO15A-related conditions. ClinVar contains an entry for this variant (Variation ID: 1338933). Invitae Evidence Modeling of protein sequence and biophysical properties (such as structural, functional, and spatial information, amino acid conservation, physicochemical variation, residue mobility, and thermodynamic stability) indicates that this missense variant is not expected to disrupt MYO15A protein function with a negative predictive value of 95%. In summary, the available evidence is currently insufficient to determine the role of this variant in disease. Therefore, it has been classified as a Variant of Uncertain Significance.

Ambry Genetics
Classification: Uncertain significance for Inborn genetic diseases. Last evaluated: 2022-09-14. Review status: criteria provided, single submitter. Criteria: Ambry Variant Classification Scheme 2023. Collection method: clinical testing. Allele origin: germline.

GeneDx
Classification: Uncertain significance. Last evaluated: 2022-01-21. Review status: criteria provided, single submitter. Criteria: GeneDx Variant Classification Process June 2021. Collection method: clinical testing. Allele origin: germline. Affected: yes.
Comment: In silico analysis supports that this missense variant does not alter protein structure/function; Has not been previously published as pathogenic or benign to our knowledge

NM_016239.4(MYO15A):c.6356C>T (p.Ala2119Val)

Gene: MYO15A (myosin XVA; plus strand). Cytogenetic location: 17p11.2.
Variant type: single nucleotide variant.
Coding change: c.6356C>T on transcript NM_016239.4 (MANE Select); coding-DNA position 6356, C replaced by T.
Protein change: p.Ala2119Val; replaces alanine 2119 with valine.
Molecular consequence: missense variant.
Genome position (GRCh38, 1-based): chr17:18,145,954, C>T. VCF-style: chr17-18145954-C-T. GRCh37 (hg19) VCF-style: chr17-18049268-C-T.
Other names: short protein forms A2119V.
Identifiers: ClinVar variation 1338933 (VCV001338933.7), dbSNP rs370756193, ClinGen allele CA8424576.
Genomic context (GRCh38, chr17:18,145,954, plus strand): 5'-CCCACCTGCATGGTGCCCGGGAGAACATCTTCGGGAACTACATCGTGCAGAAGGGGCTGG[C>T]GGTGCCTGAGCTGCGGGATGAGATCCTGGCACAGCTGGCCAATCAGGTGTGGCACAATCA-3'
Protein context (NP_057323.3, residues 2109-2129): FGNYIVQKGL[Ala2119Val]VPELRDEILA